The following is an entry in ClinVar:

NM_003242.6(TGFBR2):c.849G>T (p.Glu283Asp)

Gene: TGFBR2 (transforming growth factor beta receptor 2; plus strand). Cytogenetic location: 3p24.1.
Variant type: single nucleotide variant.
Coding change: c.849G>T on transcript NM_003242.6 (MANE Select); coding-DNA position 849, G replaced by T.
Protein change: p.Glu283Asp; replaces glutamic acid 283 with aspartic acid.
Molecular consequence: missense variant. On other transcripts: intron variant (1).
Genome position (GRCh38, 1-based): chr3:30,672,032, G>T. VCF-style: chr3-30672032-G-T. GRCh37 (hg19) VCF-style: chr3-30713524-G-T.
Other names: c.924G>T, p.Glu308Asp (NM_001024847.3); c.1032G>T, p.Glu344Asp (NM_001407126.1); c.957G>T, p.Glu319Asp (NM_001407127.1); c.876G>T, p.Glu292Asp (NM_001407128.1); c.852G>T, p.Glu284Asp (NM_001407129.1); c.849G>T, p.Glu283Asp (NM_001407130.1); c.744G>T, p.Glu248Asp (NM_001407132.1, NM_001407133.1, NM_001407134.1 and 2 more transcripts); c.564G>T, p.Glu188Asp (NM_001407137.1); and 2 more; short protein forms E163D, E188D, E248D, E283D, E284D, E292D, E308D, E319D.
Identifiers: ClinVar variation 3223161 (VCV003223161.3), dbSNP rs1249816685, ClinGen allele CA351808008.

ClinVar aggregate classification (germline): Uncertain significance. Review status: criteria provided, multiple submitters, no conflicts (2 of 4 stars). 2 submissions from 2 submitters: Uncertain significance (2). Last evaluated 2024-07-14.

Conditions:
Familial thoracic aortic aneurysm and aortic dissection (TAAD). Also called: Thoracic aortic aneurysms and dissections. Identifiers: Orphanet 91387, MedGen C4707243, MONDO:0019625.

Submissions (2):

Labcorp Genetics (formerly Invitae), Labcorp
Classification: Uncertain significance for Familial thoracic aortic aneurysm and aortic dissection. Last evaluated: 2024-07-14. Review status: criteria provided, single submitter. Criteria: Invitae Variant Classification Sherloc (09022015). Collection method: clinical testing. Allele origin: germline.
Comment: This sequence change replaces glutamic acid, which is acidic and polar, with aspartic acid, which is acidic and polar, at codon 283 of the TGFBR2 protein (p.Glu283Asp). This variant is not present in population databases (gnomAD no frequency). This variant has not been reported in the literature in individuals affected with TGFBR2-related conditions. Advanced modeling of protein sequence and biophysical properties (such as structural, functional, and spatial information, amino acid conservation, physicochemical variation, residue mobility, and thermodynamic stability) performed at Invitae indicates that this missense variant is not expected to disrupt TGFBR2 protein function with a negative predictive value of 95%. In summary, the available evidence is currently insufficient to determine the role of this variant in disease. Therefore, it has been classified as a Variant of Uncertain Significance.

Ambry Genetics
Classification: Uncertain significance for Familial thoracic aortic aneurysm and aortic dissection. Last evaluated: 2024-01-23. Review status: criteria provided, single submitter. Criteria: Ambry Variant Classification Scheme 2023. Collection method: clinical testing. Allele origin: germline.
Comment: The p.E283D variant (also known as c.849G>T), located in coding exon 4 of the TGFBR2 gene, results from a G to T substitution at nucleotide position 849. The glutamic acid at codon 283 is replaced by aspartic acid, an amino acid with highly similar properties. This amino acid position is conserved. In addition, this alteration is predicted to be tolerated by in silico analysis. Based on the available evidence, the clinical significance of this alteration remains unclear.